The following is an entry in ClinVar:

ClinVar aggregate classification (germline): Uncertain significance. Review status: criteria provided, multiple submitters, no conflicts (2 of 4 stars). 2 submissions from 2 submitters: Uncertain significance (2). Last evaluated 2025-08-04.

Conditions:
Hereditary cancer-predisposing syndrome. Also called: Neoplastic Syndromes, Hereditary; Tumor predisposition; Hereditary Cancer Syndrome; Hereditary neoplastic syndrome. Identifiers: Orphanet 140162, MedGen C0027672, MeSH D009386, MONDO:0015356.

Allele frequency attached by ClinVar (database versions not stated): gnomAD exomes below 0.00001.

Submissions (2):

Ambry Genetics
Classification: Uncertain significance for Hereditary cancer-predisposing syndrome. Last evaluated: 2025-08-04. Review status: criteria provided, single submitter. Criteria: Ambry Variant Classification Scheme 2023. Collection method: clinical testing. Allele origin: germline.
Comment: The p.Q762R variant (also known as c.2285A>G), located in coding exon 14 of the RAD50 gene, results from an A to G substitution at nucleotide position 2285. The glutamine at codon 762 is replaced by arginine, an amino acid with highly similar properties. This amino acid position is not well conserved in available vertebrate species. In addition, this alteration is predicted to be tolerated by in silico analysis. Since supporting evidence is limited at this time, the clinical significance of this alteration remains unclear.

Labcorp Genetics (formerly Invitae), Labcorp
Classification: Uncertain significance for Hereditary cancer-predisposing syndrome. Last evaluated: 2022-12-03. Review status: criteria provided, single submitter. Criteria: Invitae Variant Classification Sherloc (09022015). Collection method: clinical testing. Allele origin: germline.
Comment: Advanced modeling of protein sequence and biophysical properties (such as structural, functional, and spatial information, amino acid conservation, physicochemical variation, residue mobility, and thermodynamic stability) performed at Invitae indicates that this missense variant is not expected to disrupt RAD50 protein function. In summary, the available evidence is currently insufficient to determine the role of this variant in disease. Therefore, it has been classified as a Variant of Uncertain Significance. ClinVar contains an entry for this variant (Variation ID: 821028). This variant has not been reported in the literature in individuals affected with RAD50-related conditions. This variant is present in population databases (no rsID available, gnomAD 0.0009%). This sequence change replaces glutamine, which is neutral and polar, with arginine, which is basic and polar, at codon 762 of the RAD50 protein (p.Gln762Arg).

NM_005732.4(RAD50):c.2285A>G (p.Gln762Arg)

Gene: RAD50 (RAD50 double strand break repair protein; plus strand). Cytogenetic location: 5q31.1.
Variant type: single nucleotide variant.
Coding change: c.2285A>G on transcript NM_005732.4 (MANE Select); coding-DNA position 2285, A replaced by G.
Protein change: p.Gln762Arg; replaces glutamine 762 with arginine.
Molecular consequence: missense variant.
Genome position (GRCh38, 1-based): chr5:132,603,377, A>G. VCF-style: chr5-132603377-A-G. GRCh37 (hg19) VCF-style: chr5-131939069-A-G.
Other names: short protein forms Q762R.
Identifiers: ClinVar variation 821028 (VCV000821028.13), dbSNP rs1361960808, ClinGen allele CA360954333.
Genomic context (GRCh38, chr5:132,603,377, plus strand): 5'-TGAAGGAGAAGGAAATACCAGAATTAAGAAACAAACTGCAGAATGTCAATAGAGACATAC[A>G]GCGCCTAAAGAACGACATAGAAGAACAAGAAACACTCTTGGGTACAATAATGCCTGAAGA-3'
Protein context (NP_005723.2, residues 752-772): NKLQNVNRDI[Gln762Arg]RLKNDIEEQE